The following is an entry in ClinVar:

NM_144639.3(UROC1):c.1468G>A (p.Asp490Asn)

Gene: UROC1 (urocanate hydratase 1; minus strand). Cytogenetic location: 3q21.3.
Variant type: single nucleotide variant.
Coding change: c.1468G>A on transcript NM_144639.3 (MANE Select); coding-DNA position 1468, G replaced by A.
Protein change: p.Asp490Asn; replaces aspartic acid 490 with asparagine.
Molecular consequence: missense variant.
Genome position (GRCh38, 1-based): chr3:126,496,079, C>T on the plus strand (G>A on the coding strand, the complement: UROC1 is on the minus strand). VCF-style: chr3-126496079-C-T. GRCh37 (hg19) VCF-style: chr3-126214922-C-T.
Other names: c.1648G>A, p.Asp550Asn (NM_001165974.2); short protein forms D490N, D550N.
Identifiers: ClinVar variation 423329 (VCV000423329.4), dbSNP rs759882583, ClinGen allele CA2591012.

ClinVar aggregate classification (germline): Uncertain significance. Review status: criteria provided, multiple submitters, no conflicts (2 of 4 stars). 2 submissions from 2 submitters: Uncertain significance (2). Last evaluated 2021-08-12.

Allele frequency attached by ClinVar (database versions not stated): gnomAD 0.00001 and 0.00004; TOPMed 0.00001; ExAC 0.00021.
gnomAD v4.1: 142 of 1,613,314 alleles (0.0088%); highest among the groups gnomAD compares: South Asian, 0.13%; no homozygotes.

Submissions (2):

Ambry Genetics
Classification: Uncertain significance. Last evaluated: 2021-08-12. Review status: criteria provided, single submitter. Criteria: Ambry Variant Classification Scheme 2023. Collection method: clinical testing. Allele origin: germline.

GeneDx
Classification: Uncertain significance. Last evaluated: 2018-06-04. Review status: criteria provided, single submitter. Criteria: GeneDx Variant Classification (06012015). Collection method: clinical testing. Allele origin: germline. Affected: yes.
Comment: The D490N variant in the UROC1 gene has not been reported previously as a pathogenic variant, nor as a benign variant, to our knowledge. The D490N variant is not observed at a significant frequency in large population cohorts (Lek et al., 2016; 1000 Genomes Consortium et al., 2015; Exome Variant Server). The D490N variant is a semi-conservative amino acid substitution, which may impact secondary protein structure as these residues differ in some properties. This substitution occurs at a position that is conserved across species, and in silico analysis predicts this variant is probably damaging to the protein structure/function. We interpret D490N as a variant of uncertain significance.